The following is an entry in ClinVar:

ClinVar aggregate classification (germline): Pathogenic (1 of 4 stars; one submission).

Allele frequency attached by ClinVar (database versions not stated): gnomAD 0.00001; TOPMed 0.00001.
gnomAD v4.1: 1 of 152,036 alleles (0.00066%); highest among the groups gnomAD compares: African/African-American, 0.0024%; no homozygotes.

Submission:

Labcorp Genetics (formerly Invitae), Labcorp
Classification: Pathogenic. Last evaluated: 2025-08-12. Review status: criteria provided, single submitter. Criteria: Invitae Variant Classification Sherloc (09022015). Collection method: clinical testing. Allele origin: germline.
Comment: This sequence change falls in intron 7 of the ABCA4 gene. It does not directly change the encoded amino acid sequence of the ABCA4 protein. This variant is not present in population databases (gnomAD no frequency). This variant has been observed in individual(s) with Stargardt disease (PMID: 32307445). In at least one individual the data is consistent with being in trans (on the opposite chromosome) from a pathogenic variant. ClinVar contains an entry for this variant (Variation ID: 1454029). Studies have shown that this variant is associated with altered splicing resulting in unknown protein product impact (PMID: 32307445, 33924840). For these reasons, this variant has been classified as Pathogenic.

Literature cited by the submitters: PubMed 32307445; PubMed 33924840.

NM_000350.3(ABCA4):c.859-546G>A

Gene: ABCA4 (ATP binding cassette subfamily A member 4; minus strand). Cytogenetic location: 1p22.1.
Variant type: single nucleotide variant.
Coding change: c.859-546G>A on transcript NM_000350.3 (MANE Select); 546 bases into the intron before coding-DNA position 859, G replaced by A.
Molecular consequence: intron variant.
Genome position (GRCh38, 1-based): chr1:94,081,264, C>T on the plus strand (G>A on the coding strand, the complement: ABCA4 is on the minus strand). VCF-style: chr1-94081264-C-T. GRCh37 (hg19) VCF-style: chr1-94546820-C-T.
Identifiers: ClinVar variation 1454029 (VCV001454029.6), dbSNP rs1316240731, ClinGen allele CA740467225.